The following is an entry in ClinVar:

ClinVar aggregate classification (germline): Uncertain significance. Review status: criteria provided, multiple submitters, no conflicts (2 of 4 stars). 2 submissions from 2 submitters: Uncertain significance (2). Last evaluated 2024-01-03.

Conditions:
Inborn genetic diseases. Identifiers: MedGen C0950123, MeSH D030342.
Lethal multiple pterygium syndrome (LMPS). Identifiers: Orphanet 33108, MedGen C1854678, MONDO:0009668, OMIM 253290.

Allele frequency attached by ClinVar (database versions not stated): gnomAD exomes below 0.00001; ExAC 0.00001.

Submissions (2):

Labcorp Genetics (formerly Invitae), Labcorp
Classification: Uncertain significance for Lethal multiple pterygium syndrome. Last evaluated: 2024-01-03. Review status: criteria provided, single submitter. Criteria: Invitae Variant Classification Sherloc (09022015). Collection method: clinical testing. Allele origin: germline.
Comment: This sequence change replaces valine, which is neutral and non-polar, with phenylalanine, which is neutral and non-polar, at codon 323 of the CHRND protein (p.Val323Phe). This variant is present in population databases (rs775473919, gnomAD 0.0009%). This variant has not been reported in the literature in individuals affected with CHRND-related conditions. ClinVar contains an entry for this variant (Variation ID: 2142530). Advanced modeling of protein sequence and biophysical properties (such as structural, functional, and spatial information, amino acid conservation, physicochemical variation, residue mobility, and thermodynamic stability) performed at Invitae indicates that this missense variant is not expected to disrupt CHRND protein function with a negative predictive value of 80%. In summary, the available evidence is currently insufficient to determine the role of this variant in disease. Therefore, it has been classified as a Variant of Uncertain Significance.

Ambry Genetics
Classification: Uncertain significance for Inborn genetic diseases. Last evaluated: 2022-10-25. Review status: criteria provided, single submitter. Criteria: Ambry Variant Classification Scheme 2023. Collection method: clinical testing. Allele origin: germline.

NM_000751.3(CHRND):c.967G>T (p.Val323Phe)

Gene: CHRND (cholinergic receptor nicotinic delta subunit; plus strand). Cytogenetic location: 2q37.1.
Variant type: single nucleotide variant.
Coding change: c.967G>T on transcript NM_000751.3 (MANE Select); coding-DNA position 967, G replaced by T.
Protein change: p.Val323Phe; replaces valine 323 with phenylalanine.
Molecular consequence: missense variant.
Genome position (GRCh38, 1-based): chr2:232,531,576, G>T. VCF-style: chr2-232531576-G-T. GRCh37 (hg19) VCF-style: chr2-233396286-G-T.
Other names: c.922G>T, p.Val308Phe (NM_001256657.2); c.385G>T, p.Val129Phe (NM_001311195.2); c.664G>T, p.Val222Phe (NM_001311196.2); c.967G>T (NM_000751.1); short protein forms V222F, V323F, V129F, V308F.
Identifiers: ClinVar variation 2142530 (VCV002142530.5), dbSNP rs775473919, ClinGen allele CA2168218.
Genomic context (GRCh38, chr2:232,531,576, plus strand): 5'-GCTCCAAGCTGAGTGTTTGCCCACAGGTTCCTGCTCTTCGGCATGGTGCTGGTCACCATG[G>T]TTGTGGTGATCTGTGTCATCGTGCTCAACATCCACTTCCGAACACCCAGCACCCATGTGC-3'
Protein context (NP_000742.1, residues 313-333): LLFGMVLVTM[Val323Phe]VVICVIVLNI